The following is an entry in ClinVar:

NM_144687.4(NLRP12):c.1686C>A (p.Phe562Leu)

Gene: NLRP12 (NLR family pyrin domain containing 12; minus strand). Cytogenetic location: 19q13.42.
Variant type: single nucleotide variant.
Coding change: c.1686C>A on transcript NM_144687.4 (MANE Select); coding-DNA position 1686, C replaced by A.
Protein change: p.Phe562Leu; replaces phenylalanine 562 with leucine.
Molecular consequence: missense variant.
Genome position (GRCh38, 1-based): chr19:53,809,973, G>T on the plus strand (C>A on the coding strand, the complement: NLRP12 is on the minus strand). VCF-style: chr19-53809973-G-T. GRCh37 (hg19) VCF-style: chr19-54313227-G-T.
Other names: c.1686C>A, p.Phe562Leu (NM_001277126.2, NM_001277129.1); short protein forms F562L.
Identifiers: ClinVar variation 4767414 (VCV004767414.1).

ClinVar aggregate classification (germline): Uncertain significance (1 of 4 stars; one submission).

Conditions:
Familial cold autoinflammatory syndrome 2 (FCAS2). Identifiers: Orphanet 247868, MedGen C2673198, MONDO:0012724, OMIM 611762.

Submission:

Labcorp Genetics (formerly Invitae), Labcorp
Classification: Uncertain significance for Familial cold autoinflammatory syndrome 2. Last evaluated: 2025-12-30. Review status: criteria provided, single submitter. Criteria: Invitae Variant Classification Sherloc (09022015). Collection method: clinical testing. Allele origin: germline.
Comment: This sequence change replaces phenylalanine, which is neutral and non-polar, with leucine, which is neutral and non-polar, at codon 562 of the NLRP12 protein (p.Phe562Leu). This variant is not present in population databases (gnomAD no frequency). This variant has not been reported in the literature in individuals affected with NLRP12-related conditions. Invitae Evidence Modeling of protein sequence and biophysical properties (such as structural, functional, and spatial information, amino acid conservation, physicochemical variation, residue mobility, and thermodynamic stability) indicates that this missense variant is expected to disrupt NLRP12 protein function with a positive predictive value of 80%. In summary, the available evidence is currently insufficient to determine the role of this variant in disease. Therefore, it has been classified as a Variant of Uncertain Significance.